The following is an entry in ClinVar:

ClinVar aggregate classification (germline): Likely benign. Review status: criteria provided, multiple submitters, no conflicts (2 of 4 stars). 3 submissions from 3 submitters: Likely benign (3). Last evaluated 2025-08-26.

Conditions:
Arrhythmogenic right ventricular dysplasia 9 (ARVD9). Also called: Arrhythmogenic Right Ventricular Dysplasia/Cardiomyopathy 9; ARRHYTHMOGENIC RIGHT VENTRICULAR DYSPLASIA, FAMILIAL, 9. Identifiers: MedGen C1836906, MONDO:0012180, OMIM 609040.
Cardiomyopathy (CMYO). Also called: Cardiomyopathies. Identifiers: Orphanet 167848, MedGen C0878544, MONDO:0004994, HP:0001638. Inheritance: Various modes of inheritance.
Arrhythmogenic right ventricular cardiomyopathy (ARVD). Also called: Arrhythmogenic right ventricular dysplasia; Cardiomyopathy, ARVC; Arrhythmogenic cardiomyopathy; Arrhythmogenic Right Ventricular Cardiomyopathy (ARVC). Identifiers: Orphanet 247, MedGen C0349788, MeSH D019571, MONDO:0016587. Disease mechanism: loss of function. Inheritance: Various modes of inheritance.

Allele frequency attached by ClinVar (database versions not stated): gnomAD exomes 0.00002.
gnomAD v4.1: 9 of 1,581,404 alleles (0.00057%); highest among the groups gnomAD compares: East Asian, 0.014%; no homozygotes.

Submissions (3):

Labcorp Genetics (formerly Invitae), Labcorp
Classification: Likely benign for Arrhythmogenic right ventricular dysplasia 9. Last evaluated: 2025-08-26. Review status: criteria provided, single submitter. Criteria: Invitae Variant Classification Sherloc (09022015). Collection method: clinical testing. Allele origin: germline.

All of Us Research Program, National Institutes of Health
Classification: Likely benign for Arrhythmogenic right ventricular cardiomyopathy. Last evaluated: 2024-02-05. Review status: criteria provided, single submitter. Criteria: ACMG Guidelines, 2015. Collection method: clinical testing. Allele origin: germline. Inheritance: Autosomal dominant inheritance. Observed: 2 variant alleles, 2 heterozygotes.
Comment: This study involves interpretation of variants in research participants for the purpose of population health screening. Participant phenotype was not available at the time of variant classification. Additional details can be found in publication PMID: 35346344, PMCID: PMC8962531

Color Diagnostics, LLC DBA Color Health
Classification: Likely benign for Cardiomyopathy. Last evaluated: 2023-12-12. Review status: criteria provided, single submitter. Criteria: ACMG Guidelines, 2015. Collection method: clinical testing. Allele origin: germline.

NM_001005242.3(PKP2):c.105G>A (p.Glu35=)

Gene: PKP2 (plakophilin 2; minus strand). Cytogenetic location: 12p11.21.
Variant type: single nucleotide variant.
Coding change: c.105G>A on transcript NM_001005242.3 (MANE Select); coding-DNA position 105, G replaced by A.
Protein change: p.Glu35=; no amino-acid change (glutamic acid 35 retained).
Molecular consequence: synonymous variant. On other transcripts: 5 prime UTR variant (4).
Genome position (GRCh38, 1-based): chr12:32,896,627, C>T on the plus strand (G>A on the coding strand, the complement: PKP2 is on the minus strand). VCF-style: chr12-32896627-C-T. GRCh37 (hg19) VCF-style: chr12-33049561-C-T.
Other names: c.105G>A, p.Glu35= (NM_001407155.1, NM_001407156.1, NM_001407157.1 and 2 more transcripts); c.-722G>A (NM_001407158.1, NM_001407162.1); c.-486G>A (NM_001407159.1, NM_001407160.1).
Identifiers: ClinVar variation 3075176 (VCV003075176.4), dbSNP rs1247883947, ClinGen allele CA479175886.